The following is an entry in ClinVar:

NM_014425.5(INVS):c.2412T>G (p.Ser804=)

Gene: INVS (inversin; plus strand). Cytogenetic location: 9q31.1.
Variant type: single nucleotide variant.
Coding change: c.2412T>G on transcript NM_014425.5 (MANE Select); coding-DNA position 2412, T replaced by G.
Protein change: p.Ser804=; no amino-acid change (serine 804 retained).
Molecular consequence: synonymous variant. On other transcripts: non-coding transcript variant (1).
Genome position (GRCh38, 1-based): chr9:100,292,669, T>G. VCF-style: chr9-100292669-T-G. GRCh37 (hg19) VCF-style: chr9-103054951-T-G.
Other names: c.2124T>G, p.Ser708= (NM_001318381.2); c.1434T>G, p.Ser478= (NM_001318382.2); c.2412T>G (NM_014425.4).
Identifiers: ClinVar variation 1085737 (VCV001085737.10), dbSNP rs2787374, ClinGen allele CA5158619.
Genomic context (GRCh38, chr9:100,292,669, plus strand): 5'-CAAGGCCAAATGTGCCCCCCAGAAAAGGCGCACTCAAGAGCTCAGAGGAGGAAGGTGCTC[T>G]CCGGCTGGTTCTAGCCGCCCTGGCAGTGCCCGGGGGGAGGCGGTCCATGCTGGGCAGAAT-3'
Protein context (NP_055240.2, residues 794-814): RTQELRGGRC[Ser804=]PAGSSRPGSA

ClinVar aggregate classification (germline): Likely benign. Review status: criteria provided, single submitter (1 of 4 stars). 2 submissions from 2 submitters: Likely benign (1). 1 of the submissions does not count toward it. Last evaluated 2025-03-10.

Conditions:
Nephronophthisis. Also called: Juvenile Nephronophthisis. Identifiers: Orphanet 655, MedGen C0687120, MONDO:0019005, HP:0000090.
INVS-related disorder. Also called: INVS-related condition.

gnomAD v4.1: 19 of 1,613,778 alleles (0.0012%); highest among the groups gnomAD compares: Non-Finnish European, 0.0016%; no homozygotes.

Submissions (2):

Labcorp Genetics (formerly Invitae), Labcorp
Classification: Likely benign for Nephronophthisis. Last evaluated: 2025-03-10. Review status: criteria provided, single submitter. Criteria: Invitae Variant Classification Sherloc (09022015). Collection method: clinical testing. Allele origin: germline.

PreventionGenetics, part of Exact Sciences
Classification: Likely benign for INVS-related condition. Last evaluated: 2024-06-03. Review status: no assertion criteria provided. Collection method: clinical testing. Allele origin: germline. Not counted in ClinVar's aggregate classification.
Comment: This variant is classified as likely benign based on ACMG/AMP sequence variant interpretation guidelines (Richards et al. 2015 PMID: 25741868, with internal and published modifications).